The following is an entry in ClinVar:

ClinVar aggregate classification (germline): Conflicting classifications of pathogenicity. Review status: criteria provided, conflicting classifications (1 of 4 stars). 8 submissions from 8 submitters: Uncertain significance (5); Likely benign (2). 1 of the submissions does not count toward it. Last evaluated 2026-01-21.

Conditions:
Hereditary cancer-predisposing syndrome. Also called: Neoplastic Syndromes, Hereditary; Tumor predisposition; Hereditary neoplastic syndrome; Hereditary Cancer Syndrome. Identifiers: Orphanet 140162, MedGen C0027672, MeSH D009386, MONDO:0015356.
Hereditary breast ovarian cancer syndrome. Also called: Hereditary breast and ovarian cancer syndrome; Hereditary breast and ovarian cancer; Hereditary breast and ovarian cancer syndrome (HBOC); Breast and ovarian cancer; Hereditary breast and/or ovarian cancer syndrome; BRCA1- and BRCA2-Associated Hereditary Breast and Ovarian Cancer. Identifiers: Orphanet 145, MedGen C0677776, MeSH D061325, MONDO:0003582. Disease mechanism: loss of function.
Breast-ovarian cancer, familial, susceptibility to, 2 (BROVCA2). Also called: BRCA2 Hereditary Breast and Ovarian Cancer. Identifiers: Orphanet 145, MedGen C2675520, MONDO:0012933, OMIM 612555. Disease mechanism: loss of function.

Allele frequency attached by ClinVar (database versions not stated): gnomAD exomes below 0.00001 and 0.00001.
gnomAD v4.1: 2 of 1,613,984 alleles (0.00012%); highest among the groups gnomAD compares: Admixed American, 0.0033%; no homozygotes.

Submissions (8):

Labcorp Genetics (formerly Invitae), Labcorp
Classification: Uncertain significance for Hereditary breast ovarian cancer syndrome. Last evaluated: 2026-01-21. Review status: criteria provided, single submitter. Criteria: Invitae Variant Classification Sherloc (09022015). Collection method: clinical testing. Allele origin: germline.
Comment: This sequence change replaces glutamine, which is neutral and polar, with histidine, which is basic and polar, at codon 1987 of the BRCA2 protein (p.Gln1987His). This variant is present in population databases (rs387907575, gnomAD 0.003%). This variant has not been reported in the literature in individuals affected with BRCA2-related conditions. ClinVar contains an entry for this variant (Variation ID: 55935). Invitae Evidence Modeling of protein sequence and biophysical properties (such as structural, functional, and spatial information, amino acid conservation, physicochemical variation, residue mobility, and thermodynamic stability) indicates that this missense variant is not expected to disrupt BRCA2 protein function with a negative predictive value of 95%. In summary, the available evidence is currently insufficient to determine the role of this variant in disease. Therefore, it has been classified as a Variant of Uncertain Significance.

Color Diagnostics, LLC DBA Color Health
Classification: Likely benign for Hereditary cancer-predisposing syndrome. Last evaluated: 2025-08-19. Review status: criteria provided, single submitter. Criteria: ACMG Guidelines, 2015. Collection method: clinical testing. Allele origin: germline.

GeneDx
Classification: Uncertain significance. Last evaluated: 2025-04-18. Review status: criteria provided, single submitter. Criteria: GeneDx Variant Classification Process June 2021. Collection method: clinical testing. Allele origin: germline. Affected: yes.
Comment: Not observed at significant frequency in large population cohorts (gnomAD); In silico analysis supports that this missense variant has a deleterious effect on protein structure/function; Has not been previously published as pathogenic or benign to our knowledge; Also known as 6189G>T; This variant is associated with the following publications: (PMID: 22193408, 9002670)

Ambry Genetics
Classification: Uncertain significance for Hereditary cancer-predisposing syndrome. Last evaluated: 2024-09-21. Review status: criteria provided, single submitter. Criteria: Ambry Variant Classification Scheme 2023. Collection method: clinical testing. Allele origin: germline.
Comment: The p.Q1987H variant (also known as c.5961G>T), located in coding exon 10 of the BRCA2 gene, results from a G to T substitution at nucleotide position 5961. The glutamine at codon 1987 is replaced by histidine, an amino acid with highly similar properties. This amino acid position is not well conserved in available vertebrate species. In addition, this alteration is predicted to be tolerated by in silico analysis. Since supporting evidence is limited at this time, the clinical significance of this alteration remains unclear.

University of Washington Department of Laboratory Medicine, University of Washington
Classification: Likely benign for Hereditary cancer-predisposing syndrome. Last evaluated: 2023-03-23. Review status: criteria provided, single submitter. Criteria: Dines et al. (Genet Med. 2020). Collection method: curation. Allele origin: germline.
Comment: Missense variant in a coldspot region where missense variants are very unlikely to be pathogenic (PMID:31911673).

BRCA2 exon 11 coldspot. Reclassification based on statistical prior probability.

Quest Diagnostics Nichols Institute San Juan Capistrano
Classification: Uncertain significance. Last evaluated: 2020-02-25. Review status: criteria provided, single submitter. Criteria: Quest Diagnostics criteria. Collection method: clinical testing. Allele origin: unknown.

Women's Health and Genetics/Laboratory Corporation of America, LabCorp
Classification: Uncertain significance. Last evaluated: 2018-07-06. Review status: criteria provided, single submitter. Criteria: LabCorp Variant Classification Summary - May 2015. Collection method: clinical testing. Allele origin: germline.
Comment: Variant summary: BRCA2 c.5961G>T (p.Gln1987His) results in a non-conservative amino acid change in the encoded protein sequence. Three of four in-silico tools predict a benign effect of the variant on protein function. The variant was absent in 120618 control chromosomes (ExAC). The available data on variant occurrences in the general population are insufficient to allow any conclusion about variant significance. To our knowledge, no occurrence of c.5961G>T in individuals affected with Hereditary Breast and Ovarian Cancer and no experimental evidence demonstrating its impact on protein function have been reported. Three clinical diagnostic laboratories have submitted clinical-significance assessments for this variant to ClinVar after 2014 and all classified the variant as uncertain significance. Based on the evidence outlined above, the variant was classified as uncertain significance.

Shiraz Institute for Cancer Research, Shiraz University of Medical Sciences
Classification: Likely pathogenic for Breast-ovarian cancer, familial 2. Review status: no assertion criteria provided. Collection method: not provided. Allele origin: germline. Not counted in ClinVar's aggregate classification.
Comment: This SNP was detected by DHPLC and Direct DNA Sequencing. The SNP was observed (in its heterozygous form) only in patients with breast cancer but not healthy control group. The study contributors are : Safoora Deihimi, Abbas Ghaderi, Abdolrasoul Talei, Nasrollah Erfani.
ClinVar note: Converted during submission from probable-pathogenic to Likely pathogenic.

NM_000059.4(BRCA2):c.5961G>T (p.Gln1987His)

Gene: BRCA2 (BRCA2 DNA repair associated; plus strand). Cytogenetic location: 13q13.1.
Variant type: single nucleotide variant.
Coding change: c.5961G>T on transcript NM_000059.4 (MANE Select); coding-DNA position 5961, G replaced by T.
Protein change: p.Gln1987His; replaces glutamine 1987 with histidine.
Molecular consequence: missense variant.
Genome position (GRCh38, 1-based): chr13:32,340,316, G>T. VCF-style: chr13-32340316-G-T. GRCh37 (hg19) VCF-style: chr13-32914453-G-T.
Other names: short protein forms Q1987H.
Identifiers: ClinVar variation 55935 (VCV000055935.27), dbSNP rs387907575, ClinGen allele CA023423.
Genomic context (GRCh38, chr13:32,340,316, plus strand): 5'-GTCAGTCTCATCTGCAAATACTTGTGGGATTTTTAGCACAGCAAGTGGAAAATCTGTCCA[G>T]GTATCAGATGCTTCATTACAAAACGCAAGACAAGTGTTTTCTGAAATAGAAGATAGTACC-3'
Protein context (NP_000050.3, residues 1977-1997): IFSTASGKSV[Gln1987His]VSDASLQNAR